The following is an entry in ClinVar:

NM_002457.5(MUC2):c.4335G>T (p.Thr1445=)

Gene: MUC2 (mucin 2, oligomeric mucus/gel-forming; plus strand). Cytogenetic location: 11p15.5.
Variant type: single nucleotide variant.
Coding change: c.4335G>T on transcript NM_002457.5 (MANE Select); coding-DNA position 4335, G replaced by T.
Protein change: p.Thr1445=; no amino-acid change (threonine 1445 retained).
Molecular consequence: synonymous variant.
Genome position (GRCh38, 1-based): chr11:1,094,578, G>T. VCF-style: chr11-1094578-G-T. GRCh37 (hg19) VCF-style: chr11-1092516-G-T.
Identifiers: ClinVar variation 2641128 (VCV002641128.24), dbSNP rs112894065, ClinGen allele CA216996679.

ClinVar aggregate classification (germline): Likely benign (1 of 4 stars; one submission).

Allele frequency attached by ClinVar (database versions not stated): gnomAD exomes 0.00001; 1000 Genomes Project 0.00140.

Submission:

CeGaT Center for Human Genetics Tuebingen
Classification: Likely benign. Last evaluated: 2025-04-01. Review status: criteria provided, single submitter. Criteria: CeGaT Center For Human Genetics Tuebingen Variant Classification Criteria Version 2. Collection method: clinical testing. Allele origin: germline. Affected: yes. Observed: 2 variant alleles.
Comment: MUC2: BP4, BP7